The following is an entry in ClinVar:

NM_030780.5(SLC25A32):c.718G>A (p.Ala240Thr)

Gene: SLC25A32 (solute carrier family 25 member 32; minus strand). Cytogenetic location: 8q22.3.
Variant type: single nucleotide variant.
Coding change: c.718G>A on transcript NM_030780.5 (MANE Select); coding-DNA position 718, G replaced by A.
Protein change: p.Ala240Thr; replaces alanine 240 with threonine.
Molecular consequence: missense variant. On other transcripts: non-coding transcript variant (2).
Genome position (GRCh38, 1-based): chr8:103,401,610, C>T on the plus strand (G>A on the coding strand, the complement: SLC25A32 is on the minus strand). VCF-style: chr8-103401610-C-T. GRCh37 (hg19) VCF-style: chr8-104413838-C-T.
Other names: short protein forms A240T.
Identifiers: ClinVar variation 2142969 (VCV002142969.4), dbSNP rs748296598, ClinGen allele CA4835384.

ClinVar aggregate classification (germline): Uncertain significance (1 of 4 stars; one submission).

Allele frequency attached by ClinVar (database versions not stated): gnomAD 0.00002; TOPMed 0.00002; ExAC 0.00003.
gnomAD v4.1: 21 of 1,613,082 alleles (0.0013%); highest among the groups gnomAD compares: Admixed American, 0.015%; no homozygotes.

Submission:

Labcorp Genetics (formerly Invitae), Labcorp
Classification: Uncertain significance. Last evaluated: 2022-06-14. Review status: criteria provided, single submitter. Criteria: Invitae Variant Classification Sherloc (09022015). Collection method: clinical testing. Allele origin: germline.
Comment: In summary, the available evidence is currently insufficient to determine the role of this variant in disease. Therefore, it has been classified as a Variant of Uncertain Significance. This sequence change replaces alanine, which is neutral and non-polar, with threonine, which is neutral and polar, at codon 240 of the SLC25A32 protein (p.Ala240Thr). This variant is present in population databases (rs748296598, gnomAD 0.02%). This variant has not been reported in the literature in individuals affected with SLC25A32-related conditions. Algorithms developed to predict the effect of missense changes on protein structure and function (SIFT, PolyPhen-2, Align-GVGD) all suggest that this variant is likely to be tolerated.